The following is an entry in ClinVar:

ClinVar aggregate classification (germline): Uncertain significance. Review status: criteria provided, multiple submitters, no conflicts (2 of 4 stars). 2 submissions from 2 submitters: Uncertain significance (2). Last evaluated 2025-10-15.

Conditions:
Ectodermal dysplasia and immunodeficiency 2. Identifiers: Orphanet 238468, Orphanet 98813, MedGen C2677481, MONDO:0012806, OMIM 612132.
Inborn genetic diseases. Identifiers: MedGen C0950123, MeSH D030342.

Allele frequency attached by ClinVar (database versions not stated): gnomAD 0.00001; TOPMed 0.00002; ESP Exome Variant Server 0.00008.
gnomAD v4.1: 65 of 1,612,620 alleles (0.004%); highest among the groups gnomAD compares: Non-Finnish European, 0.0054%; no homozygotes.

Submissions (2):

Ambry Genetics
Classification: Uncertain significance for Inborn genetic diseases. Last evaluated: 2025-10-15. Review status: criteria provided, single submitter. Criteria: Ambry Variant Classification Scheme 2023. Collection method: clinical testing. Allele origin: germline.

Labcorp Genetics (formerly Invitae), Labcorp
Classification: Uncertain significance for Ectodermal dysplasia and immunodeficiency 2. Last evaluated: 2024-11-13. Review status: criteria provided, single submitter. Criteria: Invitae Variant Classification Sherloc (09022015). Collection method: clinical testing. Allele origin: germline.
Comment: This sequence change replaces serine, which is neutral and polar, with arginine, which is basic and polar, at codon 159 of the NFKBIA protein (p.Ser159Arg). This variant is present in population databases (rs199877737, gnomAD 0.003%). This variant has not been reported in the literature in individuals affected with NFKBIA-related conditions. ClinVar contains an entry for this variant (Variation ID: 946213). An algorithm developed to predict the effect of missense changes on protein structure and function (PolyPhen-2) suggests that this variant is likely to be disruptive. In summary, the available evidence is currently insufficient to determine the role of this variant in disease. Therefore, it has been classified as a Variant of Uncertain Significance.

NM_020529.3(NFKBIA):c.477C>A (p.Ser159Arg)

Gene: NFKBIA (NFKB inhibitor alpha; minus strand). Cytogenetic location: 14q13.2.
Variant type: single nucleotide variant.
Coding change: c.477C>A on transcript NM_020529.3 (MANE Select); coding-DNA position 477, C replaced by A.
Protein change: p.Ser159Arg; replaces serine 159 with arginine.
Molecular consequence: missense variant.
Genome position (GRCh38, 1-based): chr14:35,403,220, G>T on the plus strand (C>A on the coding strand, the complement: NFKBIA is on the minus strand). VCF-style: chr14-35403220-G-T. GRCh37 (hg19) VCF-style: chr14-35872426-G-T.
Other names: short protein forms S159R.
Identifiers: ClinVar variation 946213 (VCV000946213.11), dbSNP rs199877737, ClinGen allele CA7155458.